The following is an entry in ClinVar:

NM_001211.6(BUB1B):c.767G>T (p.Arg256Ile)

Gene: BUB1B (BUB1 mitotic checkpoint serine/threonine kinase B; plus strand). Cytogenetic location: 15q15.1.
Variant type: single nucleotide variant.
Coding change: c.767G>T on transcript NM_001211.6 (MANE Select); coding-DNA position 767, G replaced by T.
Protein change: p.Arg256Ile; replaces arginine 256 with isoleucine.
Molecular consequence: missense variant.
Genome position (GRCh38, 1-based): chr15:40,185,180, G>T. VCF-style: chr15-40185180-G-T. GRCh37 (hg19) VCF-style: chr15-40477381-G-T.
Other names: short protein forms R256I.
Identifiers: ClinVar variation 533911 (VCV000533911.10), dbSNP rs531786139, ClinGen allele CA268783503.

ClinVar aggregate classification (germline): Uncertain significance. Review status: criteria provided, multiple submitters, no conflicts (2 of 4 stars). 2 submissions from 2 submitters: Uncertain significance (2). Last evaluated 2025-08-18.

Conditions:
Inborn genetic diseases. Identifiers: MedGen C0950123, MeSH D030342.
Mosaic variegated aneuploidy syndrome 1 (MVA1). Also called: Warburton-Anyane-Yeboa syndrome. Identifiers: Orphanet 1052, MedGen C1850343, MONDO:0009759, OMIM 257300.

Allele frequency attached by ClinVar (database versions not stated): gnomAD 0.00001; TOPMed 0.00003.
gnomAD v4.1: 25 of 1,613,818 alleles (0.0015%); highest among the groups gnomAD compares: Non-Finnish European, 0.002%; no homozygotes.

Submissions (2):

Labcorp Genetics (formerly Invitae), Labcorp
Classification: Uncertain significance for Mosaic variegated aneuploidy syndrome 1. Last evaluated: 2025-08-18. Review status: criteria provided, single submitter. Criteria: Invitae Variant Classification Sherloc (09022015). Collection method: clinical testing. Allele origin: germline.
Comment: This sequence change replaces arginine, which is basic and polar, with isoleucine, which is neutral and non-polar, at codon 256 of the BUB1B protein (p.Arg256Ile). This variant is present in population databases (no rsID available, gnomAD 0.0009%). This variant has not been reported in the literature in individuals affected with BUB1B-related conditions. ClinVar contains an entry for this variant (Variation ID: 533911). An algorithm developed to predict the effect of missense changes on protein structure and function (PolyPhen-2) suggests that this variant is likely to be disruptive. Algorithms developed to predict the effect of sequence changes on RNA splicing suggest that this variant may disrupt the consensus splice site. In summary, the available evidence is currently insufficient to determine the role of this variant in disease. Therefore, it has been classified as a Variant of Uncertain Significance.

Ambry Genetics
Classification: Uncertain significance for Inborn genetic diseases. Last evaluated: 2025-04-09. Review status: criteria provided, single submitter. Criteria: Ambry Variant Classification Scheme 2023. Collection method: clinical testing. Allele origin: germline.